The following is an entry in ClinVar:

NM_000373.4(UMPS):c.*3264G>A

Gene: UMPS (uridine monophosphate synthetase; plus strand). Cytogenetic location: 3q21.2.
Variant type: single nucleotide variant.
Coding change: c.*3264G>A on transcript NM_000373.4 (MANE Select); 3264 bases downstream of the stop codon, G replaced by A.
Molecular consequence: 3 prime UTR variant. On other transcripts: non-coding transcript variant (2).
Genome position (GRCh38, 1-based): chr3:124,747,348, G>A. VCF-style: chr3-124747348-G-A. GRCh37 (hg19) VCF-style: chr3-124466195-G-A.
Identifiers: ClinVar variation 343002 (VCV000343002.5), dbSNP rs190423326, ClinGen allele CA10614712.

ClinVar aggregate classification (germline): Likely benign (1 of 4 stars; one submission).

Conditions:
Oroticaciduria. Also called: Orotic aciduria. Identifiers: Orphanet 30, MedGen C0268128, HP:0003218.

Allele frequency attached by ClinVar (database versions not stated): TOPMed 0.00018; gnomAD exomes 0.00005 and 0.00010; gnomAD 0.00017 and 0.00018; 1000 Genomes Project 0.00060; 1000 Genomes Project 30x 0.00062.
gnomAD v4.1: 41 of 455,118 alleles (0.009%); highest among the groups gnomAD compares: African/African-American, 0.06%; no homozygotes.

Submission:

Illumina Laboratory Services, Illumina
Classification: Likely benign for Hereditary orotic aciduria. Last evaluated: 2018-01-13. Review status: criteria provided, single submitter. Criteria: ICSL Variant Classification Criteria 13 December 2019. Collection method: clinical testing. Allele origin: germline.
Comment: This variant was observed in the ICSL laboratory as part of a predisposition screen in an ostensibly healthy population. It had not been previously curated by ICSL or reported in the Human Gene Mutation Database (HGMD: prior to June 1st, 2018), and was therefore a candidate for classification through an automated scoring system. Utilizing variant allele frequency, disease prevalence and penetrance estimates, and inheritance mode, an automated score was calculated to assess if this variant is too frequent to cause the disease. Based on the score and internal cut-off values, a variant classified as likely benign is not then subjected to further curation. The score for this variant resulted in a classification of likely benign for this disease.